The following is an entry in ClinVar:

NM_001144967.3(NEDD4L):c.1919G>A (p.Arg640Lys)

Gene: NEDD4L (NEDD4 like E3 ubiquitin protein ligase; plus strand). Cytogenetic location: 18q21.31.
Variant type: single nucleotide variant.
Coding change: c.1919G>A on transcript NM_001144967.3 (MANE Select); coding-DNA position 1919, G replaced by A.
Protein change: p.Arg640Lys; replaces arginine 640 with lysine.
Molecular consequence: missense variant.
Genome position (GRCh38, 1-based): chr18:58,366,084, G>A. VCF-style: chr18-58366084-G-A. GRCh37 (hg19) VCF-style: chr18-56033316-G-A.
Other names: c.1556G>A, p.Arg519Lys (NM_001144964.1, NM_001144965.2, NM_001144966.3); c.1895G>A, p.Arg632Lys (NM_001144968.2); c.1835G>A, p.Arg612Lys (NM_001144969.2); c.1496G>A, p.Arg499Lys (NM_001144970.3, NM_001144971.2); c.1727G>A, p.Arg576Lys (NM_001243960.2); c.1859G>A, p.Arg620Lys (NM_015277.6); short protein forms R499K, R576K, R632K, R519K, R612K, R620K, R640K.
Identifiers: ClinVar variation 2048067 (VCV002048067.4), dbSNP rs1387971746, ClinGen allele CA402547053.

ClinVar aggregate classification (germline): Uncertain significance (1 of 4 stars; one submission).

Allele frequency attached by ClinVar (database versions not stated): gnomAD exomes below 0.00001.
gnomAD v4.1: 2 of 1,613,522 alleles (0.00012%); highest among the groups gnomAD compares: Admixed American, 0.0033%; no homozygotes.

Submission:

Labcorp Genetics (formerly Invitae), Labcorp
Classification: Uncertain significance. Last evaluated: 2023-04-19. Review status: criteria provided, single submitter. Criteria: Invitae Variant Classification Sherloc (09022015). Collection method: clinical testing. Allele origin: germline.
Comment: ClinVar contains an entry for this variant (Variation ID: 2048067). This variant has not been reported in the literature in individuals affected with NEDD4L-related conditions. This variant is present in population databases (no rsID available, gnomAD 0.003%). This sequence change replaces arginine, which is basic and polar, with lysine, which is basic and polar, at codon 620 of the NEDD4L protein (p.Arg620Lys). In summary, the available evidence is currently insufficient to determine the role of this variant in disease. Therefore, it has been classified as a Variant of Uncertain Significance. Advanced modeling of protein sequence and biophysical properties (such as structural, functional, and spatial information, amino acid conservation, physicochemical variation, residue mobility, and thermodynamic stability) performed at Invitae indicates that this missense variant is not expected to disrupt NEDD4L protein function.